The following is an entry in ClinVar:

NM_033641.4(COL4A6):c.82A>G (p.Lys28Glu)

Gene: COL4A6 (collagen type IV alpha 6 chain; minus strand). Cytogenetic location: Xq22.3.
Variant type: single nucleotide variant.
Coding change: c.82A>G on transcript NM_033641.4 (MANE Select); coding-DNA position 82, A replaced by G.
Protein change: p.Lys28Glu; replaces lysine 28 with glutamic acid.
Molecular consequence: missense variant.
Genome position (GRCh38, 1-based): chrX:108,310,810, T>C on the plus strand (A>G on the coding strand, the complement: COL4A6 is on the minus strand). VCF-style: chrX-108310810-T-C. GRCh37 (hg19) VCF-style: chrX-107554040-T-C.
Other names: c.82A>G, p.Lys28Glu (NM_001287758.2, NM_001287759.2, NM_001287760.2); c.85A>G, p.Lys29Glu (NM_001847.4); short protein forms K28E, K29E.
Identifiers: ClinVar variation 3628451 (VCV003628451.2).

ClinVar aggregate classification (germline): Uncertain significance (1 of 4 stars; one submission).

Submission:

Labcorp Genetics (formerly Invitae), Labcorp
Classification: Uncertain significance. Last evaluated: 2024-11-23. Review status: criteria provided, single submitter. Criteria: Invitae Variant Classification Sherloc (09022015). Collection method: clinical testing. Allele origin: germline.
Comment: This sequence change replaces lysine, which is basic and polar, with glutamic acid, which is acidic and polar, at codon 29 of the COL4A6 protein (p.Lys29Glu). This variant is not present in population databases (gnomAD no frequency). This variant has not been reported in the literature in individuals affected with COL4A6-related conditions. Invitae Evidence Modeling of protein sequence and biophysical properties (such as structural, functional, and spatial information, amino acid conservation, physicochemical variation, residue mobility, and thermodynamic stability) indicates that this missense variant is expected to disrupt COL4A6 protein function with a positive predictive value of 80%. In summary, the available evidence is currently insufficient to determine the role of this variant in disease. Therefore, it has been classified as a Variant of Uncertain Significance.